The following is an entry in ClinVar:

ClinVar aggregate classification (germline): Uncertain significance. Review status: criteria provided, multiple submitters, no conflicts (2 of 4 stars). 5 submissions from 5 submitters: Uncertain significance (4). 1 of the submissions does not count toward it. Last evaluated 2025-11-17.

Conditions:
Hereditary cancer-predisposing syndrome. Also called: Neoplastic Syndromes, Hereditary; Tumor predisposition; Hereditary Cancer Syndrome; Hereditary neoplastic syndrome. Identifiers: Orphanet 140162, MedGen C0027672, MeSH D009386, MONDO:0015356.
POLE-related disorder. Also called: POLE-related disorders; POLE-related condition.

Allele frequency attached by ClinVar (database versions not stated): gnomAD exomes below 0.00001; ExAC 0.00002; gnomAD 0.00004; TOPMed 0.00005; ESP Exome Variant Server 0.00008; 1000 Genomes Project 30x 0.00016; 1000 Genomes Project 0.00020.
gnomAD v4.1: 9 of 1,613,722 alleles (0.00056%); highest among the groups gnomAD compares: African/African-American, 0.012%; no homozygotes.

Submissions (5):

Labcorp Genetics (formerly Invitae), Labcorp
Classification: Uncertain significance. Last evaluated: 2025-11-17. Review status: criteria provided, single submitter. Criteria: Invitae Variant Classification Sherloc (09022015). Collection method: clinical testing. Allele origin: germline.
Comment: This sequence change replaces glycine, which is neutral and non-polar, with arginine, which is basic and polar, at codon 1860 of the POLE protein (p.Gly1860Arg). This variant is present in population databases (rs144343630, gnomAD 0.008%). This variant has not been reported in the literature in individuals affected with POLE-related conditions. ClinVar contains an entry for this variant (Variation ID: 473746). Invitae Evidence Modeling of protein sequence and biophysical properties (such as structural, functional, and spatial information, amino acid conservation, physicochemical variation, residue mobility, and thermodynamic stability) indicates that this missense variant is expected to disrupt POLE protein function with a positive predictive value of 80%. In summary, the available evidence is currently insufficient to determine the role of this variant in disease. Therefore, it has been classified as a Variant of Uncertain Significance.

GeneDx
Classification: Uncertain significance. Last evaluated: 2025-04-21. Review status: criteria provided, single submitter. Criteria: GeneDx Variant Classification Process June 2021. Collection method: clinical testing. Allele origin: germline. Affected: yes.
Comment: Not observed at significant frequency in large population cohorts (gnomAD); In silico analysis supports that this missense variant has a deleterious effect on protein structure/function; Has not been previously published as pathogenic or benign to our knowledge

Ambry Genetics
Classification: Uncertain significance for Hereditary cancer-predisposing syndrome. Last evaluated: 2024-12-09. Review status: criteria provided, single submitter. Criteria: Ambry Variant Classification Scheme 2023. Collection method: clinical testing. Allele origin: germline.
Comment: The p.G1860R variant (also known as c.5578G>C), located in coding exon 41 of the POLE gene, results from a G to C substitution at nucleotide position 5578. The glycine at codon 1860 is replaced by arginine, an amino acid with dissimilar properties. This amino acid position is highly conserved in available vertebrate species. In addition, this alteration is predicted to be deleterious by in silico analysis. Based on the available evidence, the clinical significance of this variant remains unclear.

Quest Diagnostics Nichols Institute San Juan Capistrano
Classification: Uncertain significance. Last evaluated: 2019-04-01. Review status: criteria provided, single submitter. Criteria: Quest Diagnostics criteria. Collection method: clinical testing. Allele origin: germline.

PreventionGenetics, part of Exact Sciences
Classification: Uncertain significance for POLE-related condition. Last evaluated: 2024-06-04. Review status: no assertion criteria provided. Collection method: clinical testing. Allele origin: germline. Not counted in ClinVar's aggregate classification.
Comment: The POLE c.5578G>C variant is predicted to result in the amino acid substitution p.Gly1860Arg. To our knowledge, this variant has not been reported in the literature. This variant is reported in 0.0080% of alleles in individuals of African descent in gnomAD and is interpreted as uncertain in ClinVar. At this time, the clinical significance of this variant is uncertain due to the absence of conclusive functional and genetic evidence.

NM_006231.4(POLE):c.5578G>C (p.Gly1860Arg)

Gene: POLE (DNA polymerase epsilon, catalytic subunit; minus strand). Cytogenetic location: 12q24.33.
Variant type: single nucleotide variant.
Coding change: c.5578G>C on transcript NM_006231.4 (MANE Select); coding-DNA position 5578, G replaced by C.
Protein change: p.Gly1860Arg; replaces glycine 1860 with arginine.
Molecular consequence: missense variant.
Genome position (GRCh38, 1-based): chr12:132,638,114, C>G on the plus strand (G>C on the coding strand, the complement: POLE is on the minus strand). VCF-style: chr12-132638114-C-G. GRCh37 (hg19) VCF-style: chr12-133214700-C-G.
Other names: c.5578G>C (NM_006231.2); short protein forms G1860R.
Identifiers: ClinVar variation 473746 (VCV000473746.18), dbSNP rs144343630, ClinGen allele CA6892467.
Genomic context (GRCh38, chr12:132,638,114, plus strand): 5'-CACGGCGCTTCTTTGTACAGAGGATGATGCGGTTGAAGTTGGCGTAGATGACTGATGACC[C>G]CAGGCGCTTGAACTCAGCGATGAGCCTGTGGAGCAAGTTGAGAGTCCGTGGTGGAGACGC-3'
Protein context (NP_006222.2, residues 1850-1870): LQLIAEFKRL[Gly1860Arg]SSVIYANFNR